The following is an entry in ClinVar:

ClinVar aggregate classification (germline): Likely benign. Review status: criteria provided, multiple submitters, no conflicts (2 of 4 stars). 2 submissions from 2 submitters: Likely benign (2). Last evaluated 2025-12-24.

Conditions:
Hereditary nonpolyposis colorectal neoplasms. Identifiers: MedGen C0009405, MeSH D003123.
Lynch syndrome 5 (LYNCH5). Also called: Hereditary non-polyposis colorectal cancer, type 5; Colorectal cancer, hereditary nonpolyposis, type 5. Identifiers: Orphanet 144, MedGen C1833477, MONDO:0013710, OMIM 614350. Disease mechanism: loss of function.

Submissions (2):

Labcorp Genetics (formerly Invitae), Labcorp
Classification: Likely benign for Hereditary nonpolyposis colorectal neoplasms. Last evaluated: 2025-12-24. Review status: criteria provided, single submitter. Criteria: Invitae Variant Classification Sherloc (09022015). Collection method: clinical testing. Allele origin: germline.

Myriad Genetics, Inc.
Classification: Likely benign for Lynch syndrome 5. Last evaluated: 2025-01-03. Review status: criteria provided, single submitter. Criteria: Myriad Autosomal Dominant, Autosomal Recessive and X-Linked Classification Criteria (2023). Collection method: clinical testing. Allele origin: unknown.
Comment: This variant is considered likely benign. This variant is intronic and is not expected to impact mRNA splicing.

NM_000179.3(MSH6):c.3173-19_3173-18del

Gene: MSH6 (mutS homolog 6; plus strand). Cytogenetic location: 2p16.3.
Variant type: Deletion.
Coding change: c.3173-19_3173-18del on transcript NM_000179.3 (MANE Select); 19 bases into the intron before coding-DNA position 3173 through 18 bases into the intron before coding-DNA position 3173, 2 bases deleted (TT; older notation c.3173-19_3173-18delTT).
Molecular consequence: intron variant.
Genome position (GRCh38, 1-based): chr2:47,803,401-47,803,402, TT deleted; deleting any 2 consecutive bases within chr2:47,803,399-47,803,402 gives the same sequence; the c. name uses the placement nearest the transcript's 3' end. VCF-style (leftmost placement, unchanged base first): chr2-47803398-CTT-C. GRCh37 (hg19) VCF-style: chr2-48030537-CTT-C.
Other names: c.3173-19_3173-18del (NM_001406809.1, NM_001406796.1, NM_001406808.1 and 1 more transcripts); c.2267-19_2267-18del (NM_001406811.1, NM_001406814.1, NM_001281493.2 and 6 more transcripts); c.2876-19_2876-18del (NM_001406805.1, NM_001406797.1, NM_001406801.1 and 10 more transcripts); c.3269-19_3269-18del (NM_001406795.1, NM_001406802.1); c.3179-19_3179-18del (NM_001406813.1); c.2648-19_2648-18del (NM_001406807.1, NM_001406799.1, NM_001406806.1); c.3173-193_3173-192del (NM_001406798.1); c.2309-19_2309-18del (NM_001406803.1); and 7 more.
Identifiers: ClinVar variation 2782981 (VCV002782981.4), dbSNP rs1558386692, ClinGen allele CA532705479.
Genomic context (GRCh38, chr2:47,803,398, plus strand): 5'-TATATAAAGAAGACCTATAAAACACTTAGGCTGATAAAACCCCCAAACGATGAAGCCTCA[CTT>C]TTACCCTCTCTTTTAACAGATGTTTTACTGTGCCTGGCTAACTATAGTCGAGGGGGTGAT-3'